The following is an entry in ClinVar:

ClinVar aggregate classification (germline): Uncertain significance (1 of 4 stars; one submission).

Conditions:
Spastic paraplegia. Identifiers: MedGen C0037772, HP:0001258.

gnomAD v4.1: 1 of 1,614,256 alleles (0.000062%); highest among the groups gnomAD compares: Non-Finnish European, 0.000085%; no homozygotes.

Submission:

Labcorp Genetics (formerly Invitae), Labcorp
Classification: Uncertain significance for Spastic paraplegia. Last evaluated: 2022-04-01. Review status: criteria provided, single submitter. Criteria: Invitae Variant Classification Sherloc (09022015). Collection method: clinical testing. Allele origin: germline.
Comment: This sequence change replaces threonine, which is neutral and polar, with alanine, which is neutral and non-polar, at codon 2341 of the ZFYVE26 protein (p.Thr2341Ala). This variant is not present in population databases (gnomAD no frequency). This variant has not been reported in the literature in individuals affected with ZFYVE26-related conditions. Algorithms developed to predict the effect of missense changes on protein structure and function are either unavailable or do not agree on the potential impact of this missense change (SIFT: "Tolerated"; PolyPhen-2: "Probably Damaging"; Align-GVGD: "Class C0"). In summary, the available evidence is currently insufficient to determine the role of this variant in disease. Therefore, it has been classified as a Variant of Uncertain Significance.

NM_015346.4(ZFYVE26):c.7021A>G (p.Thr2341Ala)

Gene: ZFYVE26 (zinc finger FYVE-type containing 26; minus strand). Cytogenetic location: 14q24.1.
Variant type: single nucleotide variant.
Coding change: c.7021A>G on transcript NM_015346.4 (MANE Select); coding-DNA position 7021, A replaced by G.
Protein change: p.Thr2341Ala; replaces threonine 2341 with alanine.
Molecular consequence: missense variant.
Genome position (GRCh38, 1-based): chr14:67,754,178, T>C on the plus strand (A>G on the coding strand, the complement: ZFYVE26 is on the minus strand). VCF-style: chr14-67754178-T-C. GRCh37 (hg19) VCF-style: chr14-68220895-T-C.
Other names: short protein forms T2341A.
Identifiers: ClinVar variation 2193849 (VCV002193849.1), dbSNP rs2503936599, ClinGen allele CA390159895.